The following is an entry in ClinVar:

NM_002907.4(RECQL):c.1205G>A (p.Ser402Asn)

Gene: RECQL (RecQ like helicase; minus strand). Cytogenetic location: 12p12.1.
Variant type: single nucleotide variant.
Coding change: c.1205G>A on transcript NM_002907.4 (MANE Select); coding-DNA position 1205, G replaced by A.
Protein change: p.Ser402Asn; replaces serine 402 with asparagine.
Molecular consequence: missense variant.
Genome position (GRCh38, 1-based): chr12:21,475,479, C>T on the plus strand (G>A on the coding strand, the complement: RECQL is on the minus strand). VCF-style: chr12-21475479-C-T. GRCh37 (hg19) VCF-style: chr12-21628413-C-T.
Other names: c.1205G>A, p.Ser402Asn (NM_032941.3); short protein forms S402N.
Identifiers: ClinVar variation 2463404 (VCV002463404.2), dbSNP rs1308305729, ClinGen allele CA384119177.
Genomic context (GRCh38, chr12:21,475,479, plus strand): 5'-TTTGGAAAAGCTTTCTAAAAATTTACTTCTGGATTTGAGTCCTACATACCTGCACGTCCA[C>T]TCTCTTGGTAATAATTTTCCATGGATTTACTCATTGAATGATGGATAACAAACCTCACAT-3'
Protein context (NP_002898.2, residues 392-412): SKSMENYYQE[Ser402Asn]GRAGRDDMKA

ClinVar aggregate classification (germline): Uncertain significance (1 of 4 stars; one submission).

gnomAD v4.1: 1 of 1,608,030 alleles (0.000062%); highest among the groups gnomAD compares: South Asian, 0.0011%; no homozygotes.

Submission:

Ambry Genetics
Classification: Uncertain significance. Last evaluated: 2023-02-25. Review status: criteria provided, single submitter. Criteria: Ambry Variant Classification Scheme 2023. Collection method: clinical testing. Allele origin: germline.
Comment: The p.S402N variant (also known as c.1205G>A), located in coding exon 9 of the RECQL gene, results from a G to A substitution at nucleotide position 1205. The serine at codon 402 is replaced by asparagine, an amino acid with highly similar properties. This amino acid position is conserved. In addition, the in silico prediction for this alteration is inconclusive. Since supporting evidence is limited at this time, the clinical significance of this alteration remains unclear.